The following is an entry in ClinVar:

NM_006277.3(ITSN2):c.4936+10G>A

Gene: ITSN2 (intersectin 2; minus strand). Cytogenetic location: 2p23.3.
Variant type: single nucleotide variant.
Coding change: c.4936+10G>A on transcript NM_006277.3 (MANE Select); 10 bases into the intron after coding-DNA position 4936, G replaced by A.
Molecular consequence: intron variant.
Genome position (GRCh38, 1-based): chr2:24,204,235, C>T on the plus strand (G>A on the coding strand, the complement: ITSN2 is on the minus strand). VCF-style: chr2-24204235-C-T. GRCh37 (hg19) VCF-style: chr2-24427104-C-T.
Other names: c.4816+10G>A (NM_001348182.2); c.4855+10G>A (NM_019595.4); c.4894+10G>A (NM_001348181.2).
Identifiers: ClinVar variation 3030319 (VCV003030319.2), dbSNP rs754705076, ClinGen allele CA1550368.
Genomic context (GRCh38, chr2:24,204,235, plus strand): 5'-CCCTAGATCTGGACTCCAGGATCTAGGAAACTGGGAAAGCCTTTAGATCCCCTGGCTGAG[C>T]GACACTTACCATCTGGTGAAAACTGGTCTCTGTCAAACAGGGTGAGACACAGCACGTCTT-3'

ClinVar aggregate classification (germline): Likely benign (0 of 4 stars; one submission).

Conditions:
ITSN2-related disorder. Also called: ITSN2-related condition.

Allele frequency attached by ClinVar (database versions not stated): gnomAD 0.00001; gnomAD exomes 0.00001; ExAC 0.00003; TOPMed 0.00003.

Submission:

PreventionGenetics, part of Exact Sciences
Classification: Likely benign for ITSN2-related condition. Last evaluated: 2020-11-06. Review status: no assertion criteria provided. Collection method: clinical testing. Allele origin: germline.
Comment: This variant is classified as likely benign based on ACMG/AMP sequence variant interpretation guidelines (Richards et al. 2015 PMID: 25741868, with internal and published modifications).